The following is an entry in ClinVar:

NM_001563.4(IMPG1):c.1363A>G (p.Ser455Gly)

Gene: IMPG1 (interphotoreceptor matrix proteoglycan 1; minus strand). Cytogenetic location: 6q14.1.
Variant type: single nucleotide variant.
Coding change: c.1363A>G on transcript NM_001563.4 (MANE Select); coding-DNA position 1363, A replaced by G.
Protein change: p.Ser455Gly; replaces serine 455 with glycine.
Molecular consequence: missense variant.
Genome position (GRCh38, 1-based): chr6:75,951,023, T>C on the plus strand (A>G on the coding strand, the complement: IMPG1 is on the minus strand). VCF-style: chr6-75951023-T-C. GRCh37 (hg19) VCF-style: chr6-76660740-T-C.
Other names: c.1129A>G, p.Ser377Gly (NM_001282368.2); short protein forms S455G, S377G.
Identifiers: ClinVar variation 1369236 (VCV001369236.6), dbSNP rs143049211, ClinGen allele CA141083637.

ClinVar aggregate classification (germline): Uncertain significance (1 of 4 stars; one submission).

Allele frequency attached by ClinVar (database versions not stated): gnomAD exomes below 0.00001; gnomAD 0.00001; ESP Exome Variant Server 0.00008.
gnomAD v4.1: 3 of 1,613,678 alleles (0.00019%); highest among the groups gnomAD compares: African/African-American, 0.0013%; no homozygotes.

Submission:

Labcorp Genetics (formerly Invitae), Labcorp
Classification: Uncertain significance. Last evaluated: 2024-02-24. Review status: criteria provided, single submitter. Criteria: Invitae Variant Classification Sherloc (09022015). Collection method: clinical testing. Allele origin: germline.
Comment: This sequence change replaces serine, which is neutral and polar, with glycine, which is neutral and non-polar, at codon 455 of the IMPG1 protein (p.Ser455Gly). This variant is present in population databases (rs143049211, gnomAD 0.01%). This variant has not been reported in the literature in individuals affected with IMPG1-related conditions. ClinVar contains an entry for this variant (Variation ID: 1369236). Algorithms developed to predict the effect of missense changes on protein structure and function output the following: SIFT: "Not Available"; PolyPhen-2: "Benign"; Align-GVGD: "Not Available". The glycine amino acid residue is found in multiple mammalian species, which suggests that this missense change does not adversely affect protein function. In summary, the available evidence is currently insufficient to determine the role of this variant in disease. Therefore, it has been classified as a Variant of Uncertain Significance.